The following is an entry in ClinVar:

ClinVar aggregate classification (germline): Uncertain significance (1 of 4 stars; one submission).

Conditions:
Inborn genetic diseases. Identifiers: MedGen C0950123, MeSH D030342.

gnomAD v4.1: 12 of 1,613,126 alleles (0.00074%); highest among the groups gnomAD compares: Middle Eastern, 0.017%; no homozygotes.

Submission:

Ambry Genetics
Classification: Uncertain significance for Inborn genetic diseases. Last evaluated: 2026-05-11. Review status: criteria provided, single submitter. Criteria: Ambry Variant Classification Scheme 2023. Collection method: clinical testing. Allele origin: germline.
Comment: The c.3097G>A (p.G1033S) alteration is located in exon 24 (coding exon 24) of the DOT1L gene. This alteration results from a G to A substitution at nucleotide position 3097, causing the glycine (G) at amino acid position 1033 to be replaced by a serine (S). Based on data from gnomAD, the A allele has an overall frequency of 0.001% (3/248140) total alleles studied. The highest observed frequency was 0.013% (2/15380) of African alleles. Based on insufficient or conflicting evidence, the clinical significance of this alteration remains unclear.

NM_032482.3(DOT1L):c.3097G>A (p.Gly1033Ser)

Gene: DOT1L (DOT1 like histone lysine methyltransferase; plus strand). Cytogenetic location: 19p13.3.
Variant type: single nucleotide variant.
Coding change: c.3097G>A on transcript NM_032482.3 (MANE Select); coding-DNA position 3097, G replaced by A.
Protein change: p.Gly1033Ser; replaces glycine 1033 with serine.
Molecular consequence: missense variant.
Genome position (GRCh38, 1-based): chr19:2,222,266, G>A. VCF-style: chr19-2222266-G-A. GRCh37 (hg19) VCF-style: chr19-2222265-G-A.
Other names: c.3097G>A, p.Gly1033Ser (NM_001411141.1); short protein forms G1033S.
Identifiers: ClinVar variation 4870078 (VCV004870078.1).